The following is an entry in ClinVar:

NM_024105.4(ALG12):c.664+1G>A

Gene: ALG12 (ALG12 alpha-1,6-mannosyltransferase; minus strand). Cytogenetic location: 22q13.33.
Variant type: single nucleotide variant.
Coding change: c.664+1G>A on transcript NM_024105.4 (MANE Select); the canonical splice donor site of the intron after coding-DNA position 664, G replaced by A.
Molecular consequence: splice donor variant.
Genome position (GRCh38, 1-based): chr22:49,909,893, C>T on the plus strand (G>A on the coding strand, the complement: ALG12 is on the minus strand). VCF-style: chr22-49909893-C-T. GRCh37 (hg19) VCF-style: chr22-50303541-C-T.
Identifiers: ClinVar variation 2189336 (VCV002189336.4), dbSNP rs1328280874, ClinGen allele CA412074728.
Genomic context (GRCh38, chr22:49,909,893, plus strand): 5'-ACCTTTGTAAAACAAGGCAAAACAAAATCCAGTTAGAAGCATCCCACAGTGACTGACTTA[C>T]CTAAACAGAGGATCCCTGCCGGGACGGCGTGGCGAAGGGCTCTGACTACAGAAACCTTTC-3'

ClinVar aggregate classification (germline): Likely pathogenic (1 of 4 stars; one submission).

Conditions:
ALG12-congenital disorder of glycosylation (CDG1G). Also called: ALG12-CDG; Congenital disorder of glycosylation, type Ig; CDG Ig. Identifiers: Orphanet 79324, MedGen C2931001, MONDO:0011783, OMIM 607143.

Allele frequency attached by ClinVar (database versions not stated): gnomAD exomes below 0.00001; gnomAD 0.00001; TOPMed 0.00001.
gnomAD v4.1: 5 of 1,614,026 alleles (0.00031%); highest among the groups gnomAD compares: Non-Finnish European, 0.00034%; no homozygotes.

Submission:

Labcorp Genetics (formerly Invitae), Labcorp
Classification: Likely pathogenic for ALG12-congenital disorder of glycosylation. Last evaluated: 2022-05-25. Review status: criteria provided, single submitter. Criteria: Invitae Variant Classification Sherloc (09022015). Collection method: clinical testing. Allele origin: germline.
Comment: Algorithms developed to predict the effect of sequence changes on RNA splicing suggest that this variant may disrupt the consensus splice site. In summary, the currently available evidence indicates that the variant is pathogenic, but additional data are needed to prove that conclusively. Therefore, this variant has been classified as Likely Pathogenic. This variant has not been reported in the literature in individuals affected with ALG12-related conditions. This variant is present in population databases (no rsID available, gnomAD 0.0009%). This sequence change affects a donor splice site in intron 5 of the ALG12 gene. It is expected to disrupt RNA splicing. Variants that disrupt the donor or acceptor splice site typically lead to a loss of protein function (PMID: 16199547), and loss-of-function variants in ALG12 are known to be pathogenic (PMID: 15639192, 31481313).

Literature cited by the submitters: PubMed 16199547; PubMed 15639192; PubMed 31481313.